The following is an entry in ClinVar:

NM_004260.4(RECQL4):c.1585GTC[3] (p.Val530dup)

Gene: RECQL4 (RecQ like helicase 4; minus strand). Cytogenetic location: 8q24.3.
Variant type: Microsatellite.
Coding change: c.1585GTC[3] on transcript NM_004260.4 (MANE Select); three copies in a row of the 3-base unit GTC starting at c.1585; the reference has two copies in a row; one copy, 3 bases duplicated; also written c.1588_1590dup.
Protein change: p.Val530dup; duplicates valine 530.
Molecular consequence: inframe insertion.
Genome position (GRCh38, 1-based): chr8:144,514,966-144,514,968, GAC duplicated on the plus strand (GTC on the coding strand, the reverse complement: RECQL4 is on the minus strand); duplicating any 3 consecutive bases within chr8:144,514,966-144,514,971 gives the same sequence; the position shown is the placement nearest the transcript's 3' end. VCF-style (leftmost placement, unchanged base first): chr8-144514965-A-AGAC. GRCh37 (hg19) VCF-style: chr8-145740349-A-AGAC.
Other names: c.1588_1590dup (NM_004260.3).
Identifiers: ClinVar variation 662473 (VCV000662473.5), dbSNP rs778439963, ClinGen allele CA4948792.
Genomic context (GRCh38, chr8:144,514,965, plus strand): 5'-TGTACGTGTGCCCAGGGCCCTGTGTGCACACCTGGTCATCCATGAGTGACAGCAGGGGAG[A>AGAC]GACGACCAACGTGAGGCAGGGGCTGCGCCGGCTGTAGAGCAGCGCTGGGAGCTGGTAGCA-3'

ClinVar aggregate classification (germline): Uncertain significance (1 of 4 stars; one submission).

Conditions:
Baller-Gerold syndrome (BGS). Also called: CRANIOSYNOSTOSIS WITH RADIAL DEFECTS. Identifiers: Orphanet 1225, MedGen C0265308, MONDO:0009039, OMIM 218600.

Submission:

Labcorp Genetics (formerly Invitae), Labcorp
Classification: Uncertain significance for Baller-Gerold syndrome. Last evaluated: 2023-05-05. Review status: criteria provided, single submitter. Criteria: Invitae Variant Classification Sherloc (09022015). Collection method: clinical testing. Allele origin: germline.
Comment: This variant has not been reported in the literature in individuals affected with RECQL4-related conditions. Experimental studies and prediction algorithms are not available or were not evaluated, and the functional significance of this variant is currently unknown. ClinVar contains an entry for this variant (Variation ID: 662473). This variant is present in population databases (rs778439963, gnomAD 0.0009%). This variant, c.1588_1590dup, results in the insertion of 1 amino acid(s) of the RECQL4 protein (p.Val530dup), but otherwise preserves the integrity of the reading frame. In summary, the available evidence is currently insufficient to determine the role of this variant in disease. Therefore, it has been classified as a Variant of Uncertain Significance.